The following is an entry in ClinVar:

ClinVar aggregate classification (germline): Likely pathogenic (1 of 4 stars; one submission).

Conditions:
Glucose-6-phosphate transport defect (GSD1B). Also called: Glycogen Storage Disease Type Ib; GSD Ib. Identifiers: Orphanet 364, Orphanet 79259, MedGen C0268146, MONDO:0009288, OMIM 232220.

Submission:

Natera, Inc.
Classification: Likely pathogenic for Glycogen storage disease type Ib. Last evaluated: 2025-12-22. Review status: criteria provided, single submitter. Criteria: Natera Variant Classification Schema (03/2026). Collection method: clinical testing. Allele origin: germline.
Comment: The c.59del variant in SLC37A4 is a frameshift variant predicted to shift the reading frame beginning at codon 20 and leads to a stop codon 55 codons downstream. This variant is expected to result in nonsense mediated decay, truncation, or a dysfunctional protein product. This variant is rare in the general population with a frequency below the threshold expected for the associated phenotype(s). Given the available evidence, this variant is classified as Likely Pathogenic.

NM_001164277.2(SLC37A4):c.59del (p.Gly20fs)

Gene: SLC37A4 (solute carrier family 37 member 4; minus strand). Cytogenetic location: 11q23.3.
Variant type: Deletion.
Coding change: c.59del on transcript NM_001164277.2 (MANE Select); coding-DNA position 59, one base deleted (G; older notation c.59delG).
Protein change: p.Gly20fs; shifts the reading frame from glycine 20.
Molecular consequence: frameshift variant. On other transcripts: intron variant (1).
Genome position (GRCh38, 1-based): chr11:119,029,311, C deleted on the plus strand (G on the coding strand, the reverse complement: SLC37A4 is on the minus strand); the first of 5 consecutive C bases (chr11:119,029,311-119,029,315); deleting any one gives the same sequence. VCF-style (leftmost placement, unchanged base first): chr11-119029310-GC-G. GRCh37 (hg19) VCF-style: chr11-118900020-GC-G.
Other names: c.55delG, p.Gly20Alafs (NM_001164277.1); c.59del, p.Gly20fs (NM_001164278.2, NM_001164280.2, NM_001467.6); c.-172+81del (NM_001164279.2); short protein forms G20fs.
Identifiers: ClinVar variation 4814676 (VCV004814676.1).
Genomic context (GRCh38, chr11:119,029,310, plus strand): 5'-TTCCACCAATGATGGCATGACAAAGGAGAAGGTCTTGCGATTGAAGTAATACAGGCTGTA[GC>G]CCCCAAACATGGCTGAGAAGATCACAGTGCGATAATAGCCATAGCCCTGGGCTGCCATGG-3'